The following is an entry in ClinVar:

ClinVar aggregate classification (germline): Likely benign (0 of 4 stars; one submission).

Conditions:
DENND4B-related disorder. Also called: DENND4B-related condition.

Submission:

PreventionGenetics, part of Exact Sciences
Classification: Likely benign for DENND4B-related condition. Last evaluated: 2021-02-10. Review status: no assertion criteria provided. Collection method: clinical testing. Allele origin: germline.
Comment: This variant is classified as likely benign based on ACMG/AMP sequence variant interpretation guidelines (Richards et al. 2015 PMID: 25741868, with internal and published modifications).

NM_014856.3(DENND4B):c.2704CAG[10] (p.Gln910_Glu911insGln)

Gene: DENND4B (DENN domain containing 4B; minus strand). Cytogenetic location: 1q21.3.
Variant type: Microsatellite.
Coding change: c.2704CAG[10] on transcript NM_014856.3 (MANE Select); ten copies in a row of the 3-base unit CAG starting at c.2704; the reference has nine copies in a row; one copy, 3 bases duplicated.
Protein change: p.Gln910_Glu911insGln.
Genome position (GRCh38, 1-based): chr1:153,934,803-153,934,805, CTG duplicated on the plus strand (CAG on the coding strand, the reverse complement: DENND4B is on the minus strand); duplicating any 3 consecutive bases within chr1:153,934,803-153,934,829 gives the same sequence; the position shown is the placement nearest the transcript's 3' end. VCF-style (leftmost placement, unchanged base first): chr1-153934802-C-CCTG. GRCh37 (hg19) VCF-style: chr1-153907278-C-CCTG.
Other names: c.2737CAG[10], p.Gln921_Glu922insGln (NM_001367466.1).
Identifiers: ClinVar variation 3042126 (VCV003042126.2), dbSNP rs3835302, ClinGen allele CA1121364.